The following is an entry in ClinVar:

ClinVar aggregate classification (germline): Uncertain significance (1 of 4 stars; one submission).

Submission:

CeGaT Center for Human Genetics Tuebingen
Classification: Uncertain significance. Last evaluated: 2025-06-01. Review status: criteria provided, single submitter. Criteria: CeGaT Center For Human Genetics Tuebingen Variant Classification Criteria Version 2. Collection method: clinical testing. Allele origin: germline. Affected: yes. Observed: 1 variant allele.
Comment: NTRK1: PM2, PP3

NM_002529.4(NTRK1):c.2371T>G (p.Tyr791Asp)

Gene: NTRK1 (neurotrophic receptor tyrosine kinase 1; plus strand). Cytogenetic location: 1q23.1.
Variant type: single nucleotide variant.
Coding change: c.2371T>G on transcript NM_002529.4 (MANE Select); coding-DNA position 2371, T replaced by G.
Protein change: p.Tyr791Asp; replaces tyrosine 791 with aspartic acid.
Molecular consequence: missense variant.
Genome position (GRCh38, 1-based): chr1:156,881,622, T>G. VCF-style: chr1-156881622-T-G. GRCh37 (hg19) VCF-style: chr1-156851414-T-G.
Other names: c.2263T>G, p.Tyr755Asp (NM_001007792.1); c.2353T>G, p.Tyr785Asp (NM_001012331.2); short protein forms Y755D, Y785D, Y791D.
Identifiers: ClinVar variation 3905992 (VCV003905992.10).
Genomic context (GRCh38, chr1:156,881,622, plus strand): 5'-CGCCACAGCATCAAGGATGTGCACGCCCGGCTGCAAGCCCTGGCCCAGGCACCTCCTGTC[T>G]ACCTGGATGTCCTGGGCTAGGGGGCCGGCCCAGGGGCTGGGAGTGGTTAGCCGGAATACT-3'
Protein context (NP_002520.2, residues 781-796): LQALAQAPPV[Tyr791Asp]LDVLG